The following is an entry in ClinVar:

NM_001035.3(RYR2):c.11606_11608del (p.Asn3869del)

Gene: RYR2 (ryanodine receptor 2; plus strand). Cytogenetic location: 1q43.
Variant type: Deletion.
Coding change: c.11606_11608del on transcript NM_001035.3 (MANE Select); coding-DNA positions 11606 to 11608, 3 bases deleted (ACA; older notation c.11606_11608delACA).
Protein change: p.Asn3869del; deletes asparagine 3869.
Molecular consequence: inframe deletion.
Genome position (GRCh38, 1-based): chr1:237,772,060-237,772,062, ACA deleted; deleting any 3 consecutive bases within chr1:237,772,058-237,772,062 gives the same sequence; the c. name uses the placement nearest the transcript's 3' end. VCF-style (leftmost placement, unchanged base first): chr1-237772057-TCAA-T. GRCh37 (hg19) VCF-style: chr1-237935357-TCAA-T.
Other names: short protein forms N3869del.
Identifiers: ClinVar variation 5009197 (VCV005009197.1).
Genomic context (GRCh38, chr1:237,772,057, plus strand): 5'-TTTTATCTTGCATAGATTTTCAGAATTATCTGAGAACTCAGACTGGCAATAATACAACTG[TCAA>T]CATAATTATCTCCACTGTAGACTACCTACTGAGAGTTCAGGTATGTTGCTTTCCATATTA-3'

ClinVar aggregate classification (germline): Uncertain significance (1 of 4 stars; one submission).

Submission:

GeneDx
Classification: Uncertain significance. Last evaluated: 2026-02-17. Review status: criteria provided, single submitter. Criteria: GeneDx Variant Classification Process June 2021. Collection method: clinical testing. Allele origin: germline.
Comment: Not observed at significant frequency in large population cohorts (gnomAD); In-frame deletion of 1 amino acid(s) in a non-repeat region; In silico analysis supports a deleterious effect on protein structure/function; Located in one of the three hot-spot regions of the RYR2 gene, where the majority of pathogenic missense variants occur (PMID: 19926015); Has not been previously published as pathogenic or benign to our knowledge; This variant is associated with the following publications: (PMID: 19926015)